The following is an entry in ClinVar:

NM_001845.6(COL4A1):c.3706G>A (p.Gly1236Arg)

Gene: COL4A1 (collagen type IV alpha 1 chain; minus strand). Cytogenetic location: 13q34.
Variant type: single nucleotide variant.
Coding change: c.3706G>A on transcript NM_001845.6 (MANE Select); coding-DNA position 3706, G replaced by A.
Protein change: p.Gly1236Arg; replaces glycine 1236 with arginine.
Molecular consequence: missense variant.
Genome position (GRCh38, 1-based): chr13:110,170,583, C>T on the plus strand (G>A on the coding strand, the complement: COL4A1 is on the minus strand). VCF-style: chr13-110170583-C-T. GRCh37 (hg19) VCF-style: chr13-110822930-C-T.
Other names: short protein forms G1236R.
Identifiers: ClinVar variation 17412 (VCV000017412.7), dbSNP rs113994112, ClinGen allele CA341444.

ClinVar aggregate classification (germline): Pathogenic. Review status: criteria provided, single submitter (1 of 4 stars). 3 submissions from 3 submitters: Pathogenic (1). 2 of the submissions do not count toward it. Last evaluated 2022-10-06.

Conditions:
Brain small vessel disease 1 with or without ocular anomalies (BSVD1). Also called: Brain small vessel disease with or without ocular anomalies; PORENCEPHALY, TYPE 1, AUTOSOMAL DOMINANT; GOULD SYNDROME 1; BRAIN SMALL VESSEL DISEASE WITH HEMORRHAGE. Identifiers: Orphanet 2940, Orphanet 36383, Orphanet 99810, MedGen C4755307, MONDO:0008289, OMIM 175780.

Submissions (3):

GeneDx
Classification: Pathogenic. Last evaluated: 2022-10-06. Review status: criteria provided, single submitter. Criteria: GeneDx Variant Classification Process June 2021. Collection method: clinical testing. Allele origin: germline.
Comment: Identified in 3 family members with porencephaly (Gould et al., 2005; van der Knapp et al., 2006); Affects a glycine residue in a Gly-X-Y motif in the triple helical region of the COL4A1 gene, where the majority of pathogenic missense variants occur, and is predicted to disrupt normal protein folding and function (Stenson et al., 2014; Weng et al., 2012; Yoneda et al., 2013); Not observed at significant frequency in large population cohorts (gnomAD); In silico analysis supports that this missense variant has a deleterious effect on protein structure/function; This variant is associated with the following publications: (PMID: 6428250, 16374828, 15905400, 24077912, 22522439, 23225343)

OMIM
Classification: Pathogenic for BRAIN SMALL VESSEL DISEASE 1 WITHOUT OCULAR ANOMALIES. Last evaluated: 2005-05-20. Review status: no assertion criteria provided. Collection method: literature only. Allele origin: germline. Not counted in ClinVar's aggregate classification.

GeneReviews
No classification provided. Condition: Brain small vessel disease 1 with or without ocular anomalies. Review status: no classification provided. Collection method: literature only. Allele origin: unknown. Not counted in ClinVar's aggregate classification.

Literature cited by the submitters: PubMed 6428250 (cited by OMIM); PubMed 15905400 (cited by OMIM); PubMed 20301768 (cited by GeneReviews); NCBI Bookshelf NBK7046 (cited by GeneReviews).